The following is an entry in ClinVar:

NM_004655.4(AXIN2):c.816G>A (p.Arg272=)

Gene: AXIN2 (axin 2; minus strand). Cytogenetic location: 17q24.1.
Variant type: single nucleotide variant.
Coding change: c.816G>A on transcript NM_004655.4 (MANE Select); coding-DNA position 816, G replaced by A.
Protein change: p.Arg272=; no amino-acid change (arginine 272 retained).
Molecular consequence: synonymous variant.
Genome position (GRCh38, 1-based): chr17:65,549,660, C>T on the plus strand (G>A on the coding strand, the complement: AXIN2 is on the minus strand). VCF-style: chr17-65549660-C-T. GRCh37 (hg19) VCF-style: chr17-63545778-C-T.
Other names: c.816G>A, p.Arg272= (NM_001363813.1).
Identifiers: ClinVar variation 4770588 (VCV004770588.1).
Genomic context (GRCh38, chr17:65,549,660, plus strand): 5'-TGCAAAGACATAGCCAGAACCTATGTGATAAGGATTAACAGGATCGCTCCTCTTGAAGGA[C>T]CTATGGGCAAAGTACAAAAGTGGTTCAGTCACTGACCCTCACCAGAAACCCAGGTAATCA-3'
Protein context (NP_004646.3, residues 262-282): RSTETVDSGY[Arg272=]SFKRSDPVNP

ClinVar aggregate classification (germline): Uncertain significance (1 of 4 stars; one submission).

Conditions:
Oligodontia-cancer predisposition syndrome. Also called: TOOTH AGENESIS-COLORECTAL CANCER SYNDROME. Identifiers: Orphanet 300576, MedGen C1837750, MONDO:0012075, OMIM 608615. Disease mechanism: loss of function.

gnomAD v4.1: 2 of 1,595,828 alleles (0.00013%); highest among the groups gnomAD compares: Non-Finnish European, 0.00017%; no homozygotes.

Submission:

Labcorp Genetics (formerly Invitae), Labcorp
Classification: Uncertain significance for Oligodontia-cancer predisposition syndrome. Last evaluated: 2025-04-18. Review status: criteria provided, single submitter. Criteria: Invitae Variant Classification Sherloc (09022015). Collection method: clinical testing. Allele origin: germline.
Comment: This sequence change affects codon 272 of the AXIN2 mRNA. It is a 'silent' change, meaning that it does not change the encoded amino acid sequence of the AXIN2 protein. It affects a nucleotide within the consensus splice site. This variant is not present in population databases (gnomAD no frequency). This variant has not been reported in the literature in individuals affected with AXIN2-related conditions. Algorithms developed to predict the effect of sequence changes on RNA splicing suggest that this variant is not likely to affect RNA splicing. In summary, the available evidence is currently insufficient to determine the role of this variant in disease. Therefore, it has been classified as a Variant of Uncertain Significance.